The following is an entry in ClinVar:

ClinVar aggregate classification (germline): Likely benign. Review status: reviewed by expert panel (3 of 4 stars). 10 submissions from 10 submitters: Likely benign (1). 9 of the submissions do not count toward it. Last evaluated 2017-06-29.

Conditions:
Breast neoplasm. Also called: Breast Neoplasms; Neoplasm of the breast; Neoplasm of breast; Breast tumor. Identifiers: MedGen C1458155, MeSH D001943, MONDO:0021100, HP:0100013. Disease mechanism: gain of function.
Hereditary breast ovarian cancer syndrome. Also called: Breast and ovarian cancer; Hereditary breast and ovarian cancer; Hereditary breast and ovarian cancer syndrome; Hereditary breast and/or ovarian cancer syndrome; BRCA1- and BRCA2-Associated Hereditary Breast and Ovarian Cancer; Hereditary breast and ovarian cancer syndrome (HBOC). Identifiers: Orphanet 145, MedGen C0677776, MeSH D061325, MONDO:0003582. Disease mechanism: loss of function.
Breast-ovarian cancer, familial, susceptibility to, 1 (BROVCA1). Also called: BRCA1 Hereditary Breast and Ovarian Cancer; OVARIAN CANCER, SUSCEPTIBILITY TO. Identifiers: Orphanet 145, MedGen C2676676, MONDO:0011450, OMIM 604370. Disease mechanism: loss of function.
Fanconi anemia, complementation group S (FANCS). Identifiers: MedGen C4554406, MONDO:0054748, OMIM 617883.
BRCA1-related cancer predisposition. Identifiers: MedGen CN377757, MONDO:0700268.
Hereditary cancer-predisposing syndrome. Also called: Tumor predisposition; Hereditary Cancer Syndrome; Neoplastic Syndromes, Hereditary; Hereditary neoplastic syndrome. Identifiers: Orphanet 140162, MedGen C0027672, MeSH D009386, MONDO:0015356.

Allele frequency attached by ClinVar (database versions not stated): ExAC 0.00001; gnomAD 0.00001; gnomAD exomes 0.00001 and 0.00004; TOPMed 0.00002.
gnomAD v4.1: 7 of 1,613,362 alleles (0.00043%); highest among the groups gnomAD compares: East Asian, 0.016%; no homozygotes.

Submissions (10):

Evidence-based Network for the Interpretation of Germline Mutant Alleles (ENIGMA)
Classification: Likely benign for Breast-ovarian cancer, familial, susceptibility to, 1. Last evaluated: 2017-06-29. Review status: reviewed by expert panel. Criteria: ENIGMA BRCA1/2 Classification Criteria (2017-06-29). Collection method: curation. Allele origin: germline.
Comment: Synonymous substitution variant, with low bioinformatic likelihood to result in a splicing aberration (Splicing prior probability 0.02).

Labcorp Genetics (formerly Invitae), Labcorp
Classification: Likely benign for Hereditary breast ovarian cancer syndrome. Last evaluated: 2025-10-28. Review status: criteria provided, single submitter. Criteria: Invitae Variant Classification Sherloc (09022015). Collection method: clinical testing. Allele origin: germline. Not counted in ClinVar's aggregate classification.

All of Us Research Program, National Institutes of Health
Classification: Likely benign for BRCA1-related cancer predisposition. Last evaluated: 2024-08-13. Review status: criteria provided, single submitter. Criteria: ACMG Guidelines, 2015. Collection method: clinical testing. Allele origin: germline. Inheritance: Autosomal dominant inheritance. Observed: 3 variant alleles, 3 heterozygotes. Not counted in ClinVar's aggregate classification.
Comment: This study involves interpretation of variants in research participants for the purpose of population health screening. Participant phenotype was not available at the time of variant classification. Additional details can be found in publication PMID: 35346344, PMCID: PMC8962531

Quest Diagnostics Nichols Institute San Juan Capistrano
Classification: Likely benign. Last evaluated: 2023-08-24. Review status: criteria provided, single submitter. Criteria: Quest Diagnostics criteria. Collection method: clinical testing. Allele origin: unknown. Not counted in ClinVar's aggregate classification.

Department of Pathology and Laboratory Medicine, Sinai Health System
Classification: Likely benign for Fanconi anemia, complementation group S. Last evaluated: 2023-06-15. Review status: criteria provided, single submitter. Criteria: ACMG Guidelines, 2015. Collection method: clinical testing. Allele origin: germline. Affected: no. Not counted in ClinVar's aggregate classification.

Women's Health and Genetics/Laboratory Corporation of America, LabCorp
Classification: Likely benign. Last evaluated: 2019-08-21. Review status: criteria provided, single submitter. Criteria: LabCorp Variant Classification Summary - May 2015. Collection method: clinical testing. Allele origin: germline. Not counted in ClinVar's aggregate classification.

Color Diagnostics, LLC DBA Color Health
Classification: Likely benign for Hereditary cancer-predisposing syndrome. Last evaluated: 2017-01-20. Review status: criteria provided, single submitter. Criteria: ACMG Guidelines, 2015. Collection method: clinical testing. Allele origin: germline. Not counted in ClinVar's aggregate classification.

Laboratory of Molecular Diagnosis of Cancer, West China Hospital, Sichuan University
Classification: Uncertain significance for Breast neoplasm. Last evaluated: 2015-11-01. Review status: criteria provided, single submitter. Criteria: ACMG Guidelines, 2015. Collection method: research. Allele origin: germline. Affected: yes. Observed: 1 variant allele. Not counted in ClinVar's aggregate classification.

GeneDx
Classification: Benign. Last evaluated: 2015-03-03. Review status: criteria provided, single submitter. Criteria: GeneDx Variant Classification Process June 2021. Collection method: clinical testing. Allele origin: germline. Affected: yes. Not counted in ClinVar's aggregate classification.
Comment: This variant is associated with the following publications: (PMID: 30702160)

Ambry Genetics
Classification: Likely benign for Hereditary cancer-predisposing syndrome. Last evaluated: 2015-02-06. Review status: criteria provided, single submitter. Criteria: Ambry Variant Classification Scheme 2023. Collection method: clinical testing. Allele origin: germline. Not counted in ClinVar's aggregate classification.

Literature cited by the submitters: PubMed 32467295 (cited by Quest Diagnostics Nichols Institute San Juan Capistrano); PubMed 30702160 (cited by Quest Diagnostics Nichols Institute San Juan Capistrano); PubMed 16267036 (cited by Quest Diagnostics Nichols Institute San Juan Capistrano); PubMed 27257965 (cited by 3 submitters).

NM_007294.4(BRCA1):c.837T>C (p.His279=)

Gene: BRCA1 (BRCA1 DNA repair associated; minus strand). Cytogenetic location: 17q21.31.
Variant type: single nucleotide variant.
Coding change: c.837T>C on transcript NM_007294.4 (MANE Select); coding-DNA position 837, T replaced by C.
Protein change: p.His279=; no amino-acid change (histidine 279 retained).
Molecular consequence: synonymous variant. On other transcripts: 5 prime UTR variant (2), intron variant (137).
Genome position (GRCh38, 1-based): chr17:43,094,694, A>G on the plus strand (T>C on the coding strand, the complement: BRCA1 is on the minus strand). VCF-style: chr17-43094694-A-G. GRCh37 (hg19) VCF-style: chr17-41246711-A-G.
Other names: c.501T>C, p.His167= (NM_001407958.1, NM_001407954.1, NM_001407955.1 and 1 more transcripts); c.456T>C, p.His152= (NM_001407959.1, NM_001407960.1, NM_001407963.1); c.453T>C, p.His151= (NM_001407962.1); c.693T>C, p.His231= (NM_001407964.1, NM_001407740.1, NM_001407741.1 and 20 more transcripts); c.333T>C, p.His111= (NM_001407965.1); c.-52T>C (NM_001407966.1, NM_001407967.1); c.696T>C, p.His232= (NM_007297.4, NM_001407692.1, NM_001407694.1 and 29 more transcripts); c.837T>C, p.His279= (NM_007300.4, NM_001407581.1, NM_001407582.1 and 30 more transcripts); and 40 more.
Identifiers: ClinVar variation 224429 (VCV000224429.29), dbSNP rs775477245, ClinGen allele CA056815.